The following is an entry in ClinVar:

NM_201384.3(PLEC):c.2304+252A>G

Gene: PLEC (plectin; minus strand). Cytogenetic location: 8q24.3.
Variant type: single nucleotide variant.
Coding change: c.2304+252A>G on transcript NM_201384.3 (MANE Select); 252 bases into the intron after coding-DNA position 2304, A replaced by G.
Molecular consequence: intron variant.
Genome position (GRCh38, 1-based): chr8:143,931,282, T>C on the plus strand (A>G on the coding strand, the complement: PLEC is on the minus strand). VCF-style: chr8-143931282-T-C. GRCh37 (hg19) VCF-style: chr8-145005450-T-C.
Other names: c.2385+252A>G (NM_000445.5); c.2262+252A>G (NM_201378.4); c.2238+252A>G (NM_201379.3); c.2715+252A>G (NM_201380.4); c.2208+252A>G (NM_201381.3); c.2304+252A>G (NM_201382.4); c.2316+252A>G (NM_201383.3).
Identifiers: ClinVar variation 683690 (VCV000683690.1), dbSNP rs62522556, ClinGen allele CA12780806.
Genomic context (GRCh38, chr8:143,931,282, plus strand): 5'-GGGCGGCCCGGCTTGGACCGGCTGCCTCTCGGCTCCCCACATCCTGCCTCATTCCCCCCT[T>C]GGCTGACCTCTACACCTCCCATGGTGCCTCCCAACTCCTGCTGGCCCCTCCAGTTGCCCC-3'

ClinVar aggregate classification (germline): Benign (1 of 4 stars; one submission).

Allele frequency attached by ClinVar (database versions not stated): gnomAD 0.13564 and 0.13603; 1000 Genomes Project 0.23303.
gnomAD v4.1: 14,047 of 103,286 alleles (14%); highest among the groups gnomAD compares: Non-Finnish European, 19%; 354 homozygotes.

Submission:

GeneDx
Classification: Benign. Last evaluated: 2018-06-19. Review status: criteria provided, single submitter. Criteria: GeneDx Variant Classification (06012015). Collection method: clinical testing. Allele origin: germline. Affected: yes.
Comment: This variant is considered likely benign or benign based on one or more of the following criteria: it is a conservative change, it occurs at a poorly conserved position in the protein, it is predicted to be benign by multiple in silico algorithms, and/or has population frequency not consistent with disease.